The following is an entry in ClinVar:

ClinVar aggregate classification (germline): Uncertain significance (1 of 4 stars; one submission).

Submission:

GeneDx
Classification: Uncertain significance. Last evaluated: 2026-03-29. Review status: criteria provided, single submitter. Criteria: GeneDx Variant Classification Process June 2021. Collection method: clinical testing. Allele origin: germline.
Comment: Not observed at significant frequency in large population cohorts (gnomAD); In silico analysis suggests that this missense variant does not alter protein structure/function; Has not been previously published as pathogenic or benign to our knowledge

NM_015365.3(AMMECR1):c.262C>T (p.Pro88Ser)

Genes: AMMECR1 (AMMECR nuclear protein 1; minus strand), LOC130068555 (ATAC-STARR-seq lymphoblastoid silent region 20940; plus strand). Cytogenetic location: Xq23.
Variant type: single nucleotide variant.
Coding change: c.262C>T on transcript NM_015365.3 (MANE Select); coding-DNA position 262, C replaced by T.
Protein change: p.Pro88Ser; replaces proline 88 with serine.
Molecular consequence: missense variant. On other transcripts: 5 prime UTR variant (1).
Genome position (GRCh38, 1-based): chrX:110,317,810, G>A on the plus strand (C>T on the coding strand, the complement: AMMECR1 is on the minus strand). VCF-style: chrX-110317810-G-A. GRCh37 (hg19) VCF-style: chrX-109561038-G-A.
Other names: c.262C>T, p.Pro88Ser (NM_001025580.2); c.-108C>T (NM_001171689.2); short protein forms P88S.
Identifiers: ClinVar variation 5017584 (VCV005017584.1).